The following is an entry in ClinVar:

ClinVar aggregate classification (germline): Likely benign. Review status: criteria provided, multiple submitters, no conflicts (2 of 4 stars). 3 submissions from 3 submitters: Likely benign (3). Last evaluated 2026-01-24.

Conditions:
Werner syndrome (WRN). Identifiers: Orphanet 902, MedGen C0043119, MONDO:0010196, OMIM 277700.

Allele frequency attached by ClinVar (database versions not stated): gnomAD 0.00001; gnomAD exomes 0.00001 and 0.00005; TOPMed 0.00002; ExAC 0.00005.
gnomAD v4.1: 10 of 1,613,080 alleles (0.00062%); highest among the groups gnomAD compares: East Asian, 0.02%; no homozygotes.

Submissions (3):

Labcorp Genetics (formerly Invitae), Labcorp
Classification: Likely benign for Werner syndrome. Last evaluated: 2026-01-24. Review status: criteria provided, single submitter. Criteria: Invitae Variant Classification Sherloc (09022015). Collection method: clinical testing. Allele origin: germline.

Mayo Clinic Laboratories, Mayo Clinic
Classification: Likely benign. Last evaluated: 2025-03-05. Review status: criteria provided, single submitter. Criteria: ACMG Guidelines, 2015. Collection method: clinical testing. Allele origin: germline. Observed: 1 variant allele.
Comment: BP4, BP7

Blueprint Genetics
Classification: Likely benign. Last evaluated: 2024-06-21. Review status: criteria provided, single submitter. Criteria: ACMG Guidelines, 2015. Collection method: clinical testing. Allele origin: germline.

NM_000553.6(WRN):c.2799A>G (p.Glu933=)

Gene: WRN (WRN RecQ like helicase; plus strand). Cytogenetic location: 8p12.
Variant type: single nucleotide variant.
Coding change: c.2799A>G on transcript NM_000553.6 (MANE Select); coding-DNA position 2799, A replaced by G.
Protein change: p.Glu933=; no amino-acid change (glutamic acid 933 retained).
Molecular consequence: synonymous variant.
Genome position (GRCh38, 1-based): chr8:31,124,974, A>G. VCF-style: chr8-31124974-A-G. GRCh37 (hg19) VCF-style: chr8-30982490-A-G.
Other names: p.Glu933=.
Identifiers: ClinVar variation 1131408 (VCV001131408.9), dbSNP rs770548815, ClinGen allele CA4704852.